The following is an entry in ClinVar:

ClinVar aggregate classification (germline): Likely pathogenic. Review status: reviewed by expert panel (3 of 4 stars). 4 submissions from 4 submitters: Likely pathogenic (1). 3 of the submissions do not count toward it. Last evaluated 2024-09-09.

Conditions:
Mitochondrial disease. Also called: Mitochondrial disorder; Mitochondrial disorders. Identifiers: Orphanet 68380, MedGen C0751651, MeSH D028361, MONDO:0044970.
MELAS syndrome (MELAS). Also called: Juvenile myopathy, encephalopathy, lactic acidosis, stroke. Identifiers: Orphanet 550, MedGen C0162671, MONDO:0010789, OMIM 540000.
Mitochondrial encephalomyopathy. Identifiers: MedGen C0162666, MONDO:0004675.

Submissions (4):

ClinGen Mitochondrial Disease Nuclear and Mitochondrial  Variant Curation Expert Panel, ClinGen
Classification: Likely pathogenic for Mitochondrial disease. Last evaluated: 2024-09-09. Review status: reviewed by expert panel. Criteria: clingen mito disease acmg specifications v1-1. Collection method: curation. Allele origin: germline. Inheritance: Mitochondrial inheritance.
Comment: The m.3252A>G variant in MT-TL1 has been reported in five unrelated families with primary mitochondrial disease (PS4_moderate). Some affected individuals had features consistent with myoclonic epilepsy with ragged red fibers (MERRF) and/or mitochondrial encephalomyopathy, lactic acidosis, and stroke-like episodes (MELAS). Other manifestations include intellectual disability, pigmentary retinopathy, diabetes, dementia, renal failure, heart block, and hypoparathyroidism; and muscle biopsies showed ragged red fibers and complex I deficiency. Heteroplasmy levels ranged from 18% to greater than 90% in affected individuals (PMID: 8111377; of note, two cases were included in manuscripts without a PMID: Seed et al., 2021, Tan et al., 2023; and two cases were provided by Expert Panel members). The variant segregated with disease manifestations in two families (PP1_moderate). In one, the proband had MELAS and had the variant present at 30% heteroplasmy in blood, 19% in lymphoblasts, and 76% in muscle. In one of the cases provided by an Expert Panel member, the proband had the variant present at >90% heteroplasmy. The less severely affected mother had the variant present at 55% in urine, 40% in buccal, and 18% in blood. The variant was present in the maternal grandmother at 19% in buccal sample, and at lower heteroplasmy levels in a maternal uncle with hearing loss. This variant occurred de novo in one of the reported individuals (absent in blood from mother; PS2_supporting, Tan et al., 2023). This variant is absent in the GenBank dataset, Helix dataset, and gnomAD v3.1.2 (PM2_supporting). The computational predictor MitoTIP suggests this variant is pathogenic and HmtVAR predicts it to be pathogenic score of 0.5 (PP3). There are no cybrids, single fiber studies, or other functional assays reported on this variant. In summary, this variant meets criteria to be classified as likely pathogenic for primary mitochondrial disease inherited in a mitochondrial manner. This classification was approved by the NICHD/NINDS U24 ClinGen Mitochondrial Disease Variant Curation Expert Panel on September 9, 2024. Mitochondrial DNA-specific ACMG/AMP criteria applied (PMID: 32906214): PS4_moderate, PP1_moderate, PS2_supporting, PM2_supporting, PP3.

Wong Mito Lab, Molecular and Human Genetics, Baylor College of Medicine
Classification: Likely pathogenic for MELAS syndrome. Last evaluated: 2019-07-12. Review status: criteria provided, single submitter. Criteria: Modified ACMG Guidelines (Unpublished). Collection method: clinical testing. Allele origin: germline. Not counted in ClinVar's aggregate classification.
Comment: The NC_012920.1:m.3252A>G variant in MT-TL1 gene is interpreted to be a Likely Pathogenic variant based on the modified ACMG guidelines (unpublished). This variant meets the following evidence codes reported in the guidelines: PM8, PM9, PM10

OMIM
Classification: Pathogenic for ENCEPHALOMYOPATHY, MITOCHONDRIAL. Last evaluated: 1993-12-01. Review status: no assertion criteria provided. Collection method: literature only. Allele origin: germline. Not counted in ClinVar's aggregate classification.

GeneReviews
No classification provided. Condition: MELAS syndrome. Review status: no classification provided. Collection method: literature only. Allele origin: maternal. Not counted in ClinVar's aggregate classification.

Literature cited by the submitters: PubMed 31965079 (cited by Wong Mito Lab, Molecular and Human Genetics, Baylor College of Medicine); PubMed 8111377 (cited by 3 submitters).

NC_012920.1(MT-TL1):m.3252A>G

Gene: MT-TL1 (mitochondrially encoded tRNA leucine 1 (UUA/G); plus strand).
Variant type: single nucleotide variant.
Genome position: chrM-3252-A-G.
Other names: 3252T-C.
Identifiers: ClinVar variation 9594 (VCV000009594.10), dbSNP rs199474661, ClinGen allele CA120564.